The following is an entry in ClinVar:

ClinVar aggregate classification (germline): Uncertain significance. Review status: criteria provided, multiple submitters, no conflicts (2 of 4 stars). 2 submissions from 2 submitters: Uncertain significance (2). Last evaluated 2026-07-24.

Conditions:
PKD1-related disorder. Also called: PKD1-related condition.
Polycystic kidney disease, adult type (PKD1). Also called: Polycystic Kidney Disease 1, Autosomal Dominant; Polycystic kidney disease 1; Polycystic kidney disease 1, severe; Polycystic Kidney, Autosomal Dominant; POLYCYSTIC KIDNEY DISEASE, ADULT, TYPE I; POLYCYSTIC KIDNEY DISEASE 1 WITH OR WITHOUT POLYCYSTIC LIVER DISEASE. Identifiers: MedGen C3149841, MONDO:0008263, OMIM 173900.

gnomAD v4.1: 6 of 1,612,046 alleles (0.00037%); highest among the groups gnomAD compares: Admixed American, 0.0067%; no homozygotes.

Submissions (2):

PreventionGenetics, part of Exact Sciences
Classification: Uncertain significance for PKD1-related condition. Last evaluated: 2026-07-24. Review status: criteria provided, single submitter. Criteria: ACMG Guidelines, 2015. Collection method: clinical testing. Allele origin: germline.
Comment: The PKD1 c.4894A>T variant is predicted to result in the amino acid substitution p.Ile1632Leu. To our knowledge, this variant has not been reported in the literature. This variant is reported in 0.012% of alleles in individuals of Latino descent in gnomAD. At this time, the clinical significance of this variant is uncertain due to the absence of conclusive functional and genetic evidence.

Fulgent Genetics
Classification: Uncertain significance for Polycystic kidney disease, adult type. Last evaluated: 2024-05-29. Review status: criteria provided, single submitter. Criteria: ACMG Guidelines, 2015. Collection method: clinical testing. Allele origin: germline.

NM_001009944.3(PKD1):c.4894A>T (p.Ile1632Leu)

Gene: PKD1 (polycystin 1, transient receptor potential channel interacting; minus strand). Cytogenetic location: 16p13.3.
Variant type: single nucleotide variant.
Coding change: c.4894A>T on transcript NM_001009944.3 (MANE Select); coding-DNA position 4894, A replaced by T.
Protein change: p.Ile1632Leu; replaces isoleucine 1632 with leucine.
Molecular consequence: missense variant.
Genome position (GRCh38, 1-based): chr16:2,110,273, T>A on the plus strand (A>T on the coding strand, the complement: PKD1 is on the minus strand). VCF-style: chr16-2110273-T-A. GRCh37 (hg19) VCF-style: chr16-2160274-T-A.
Other names: c.4894A>T, p.Ile1632Leu (NM_000296.4); short protein forms I1632L.
Identifiers: ClinVar variation 3579478 (VCV003579478.2).